The following is an entry in ClinVar:

ClinVar aggregate classification (germline): Pathogenic (1 of 4 stars; one submission).

Submission:

Quest Diagnostics Nichols Institute San Juan Capistrano
Classification: Pathogenic. Last evaluated: 2025-01-14. Review status: criteria provided, single submitter. Criteria: ACMG/ClinGen CNV Guidelines, 2019. Collection method: clinical testing. Allele origin: unknown.
Comment: This 10p12.1 deletion involves at least seven protein-coding genes including WAC (OMIM 615049). Haploinsufficiency of WAC has been associated with autosomal dominant Desanto-Shinawi syndrome (CCID:008101, OMIM 616708). Heterozygous deletions overlapping the current interval and have been reported in individuals with various phenotypes (Abdelhedi 2016, Toledo-Gotor 2022, Wentzel 2011). There are no similar copy number losses of this region in the general populations of the Database of Genomic Variants. Thus, based on current medical literature and gene content, this copy number variant (CNV) is classified as pathogenic. References: Abdelhedi et al., Am J Med Genet A. 2016 Jul;170(7):1912-7. PMID: 27119754 Toledo-Gotor et al., Mol Genet Genomic Med. 2022 May;10(5):e1910. PMID: 35266333 Wentzel et al., Eur J Hum Genet. 2011 Sep;19(9):959-64. PMID: 21522184

GRCh37/hg19 10p12.1(chr10:27659942-29401622)x1

Genes: BAMBI (BMP and activin membrane bound inhibitor; plus strand), C10orf126 (chromosome 10 open reading frame 126; plus strand), MKX (mohawk homeobox; minus strand), MPP7 (MAGUK p55 scaffold protein 7; minus strand), ODAD2 (outer dynein arm docking complex subunit 2; minus strand) and 3 more. Cytogenetic location: 10p12.1.
Variant type: copy number loss.
Change: copy number 1 (one copy instead of two) of chr10:27,659,942-29,401,622 (1.74 Mb, GRCh37 coordinates, 1-based), cytogenetic band 10p12.1.
Identifiers: ClinVar variation 4682768 (VCV004682768.1).